The following is an entry in ClinVar:

NM_015046.7(SETX):c.3417A>C (p.Glu1139Asp)

Gene: SETX (senataxin; minus strand). Cytogenetic location: 9q34.13.
Variant type: single nucleotide variant.
Coding change: c.3417A>C on transcript NM_015046.7 (MANE Select); coding-DNA position 3417, A replaced by C.
Protein change: p.Glu1139Asp; replaces glutamic acid 1139 with aspartic acid.
Molecular consequence: missense variant.
Genome position (GRCh38, 1-based): chr9:132,328,181, T>G on the plus strand (A>C on the coding strand, the complement: SETX is on the minus strand). VCF-style: chr9-132328181-T-G. GRCh37 (hg19) VCF-style: chr9-135203568-T-G.
Other names: c.3417A>C, p.Glu1139Asp (NM_001351527.2, NM_001351528.2); short protein forms E1139D.
Identifiers: ClinVar variation 2047608 (VCV002047608.5), dbSNP rs1252813991, ClinGen allele CA375330594.

ClinVar aggregate classification (germline): Conflicting classifications of pathogenicity. Review status: criteria provided, conflicting classifications (1 of 4 stars). 2 submissions from 2 submitters: Uncertain significance (1); Likely benign (1). Last evaluated 2025-11-05.

Conditions:
Spinocerebellar ataxia, autosomal recessive, with axonal neuropathy 2 (SCAN2). Also called: Ataxia-ocular apraxia-2; Ataxia with Oculomotor Apraxia Type 2; Ataxia with Oculomotor Apraxia; ATAXIA-OCULOMOTOR APRAXIA 2. Identifiers: Orphanet 64753, MedGen C1853761, MONDO:0018996, OMIM 606002.
Amyotrophic lateral sclerosis type 4 (ALS4). Also called: AMYOTROPHIC LATERAL SCLEROSIS 4, JUVENILE; NEURONOPATHY, DISTAL HEREDITARY MOTOR, WITH PYRAMIDAL FEATURES. Identifiers: Orphanet 357043, MedGen C1865409, MONDO:0011223, OMIM 602433.
Inborn genetic diseases. Identifiers: MedGen C0950123, MeSH D030342.

Allele frequency attached by ClinVar (database versions not stated): TOPMed below 0.00001.
gnomAD v4.1: 2 of 1,614,200 alleles (0.00012%); highest among the groups gnomAD compares: Admixed American, 0.0033%; no homozygotes.

Submissions (2):

Ambry Genetics
Classification: Uncertain significance for Inborn genetic diseases. Last evaluated: 2025-11-05. Review status: criteria provided, single submitter. Criteria: Ambry Variant Classification Scheme 2023. Collection method: clinical testing. Allele origin: germline.
Comment: The c.3417A>C (p.E1139D) alteration is located in exon 10 (coding exon 8) of the SETX gene. This alteration results from a A to C substitution at nucleotide position 3417, causing the glutamic acid (E) at amino acid position 1139 to be replaced by an aspartic acid (D). Based on data from gnomAD, the C allele has an overall frequency of <0.001% (1/250806) total alleles studied. The highest observed frequency was <0.001% (/) of alleles. Based on insufficient or conflicting evidence, the clinical significance of this alteration remains unclear.

Labcorp Genetics (formerly Invitae), Labcorp
Classification: Likely benign for Amyotrophic lateral sclerosis type 4; Spinocerebellar ataxia, autosomal recessive, with axonal neuropathy 2. Last evaluated: 2022-05-25. Review status: criteria provided, single submitter. Criteria: Invitae Variant Classification Sherloc (09022015). Collection method: clinical testing. Allele origin: germline.